The following is an entry in ClinVar:

NM_013432.5(TONSL):c.2239G>A (p.Glu747Lys)

Genes: TONSL (tonsoku like, DNA repair protein; minus strand), TONSL-AS1 (TONSL antisense RNA 1; plus strand). Cytogenetic location: 8q24.3.
Variant type: single nucleotide variant.
Coding change: c.2239G>A on transcript NM_013432.5 (MANE Select); coding-DNA position 2239, G replaced by A.
Protein change: p.Glu747Lys; replaces glutamic acid 747 with lysine.
Molecular consequence: missense variant.
Genome position (GRCh38, 1-based): chr8:144,436,194, C>T on the plus strand (G>A on the coding strand, the complement: TONSL is on the minus strand). VCF-style: chr8-144436194-C-T. GRCh37 (hg19) VCF-style: chr8-145661577-C-T.
Other names: c.2239G>A (NM_013432.4); short protein forms E747K.
Identifiers: ClinVar variation 1399969 (VCV001399969.5), dbSNP rs369234807, ClinGen allele CA4942887.

ClinVar aggregate classification (germline): Uncertain significance. Review status: criteria provided, multiple submitters, no conflicts (2 of 4 stars). 2 submissions from 2 submitters: Uncertain significance (2). Last evaluated 2025-08-27.

Conditions:
Inborn genetic diseases. Identifiers: MedGen C0950123, MeSH D030342.

Allele frequency attached by ClinVar (database versions not stated): gnomAD 0.00003; TOPMed 0.00005; gnomAD exomes 0.00007; ESP Exome Variant Server 0.00008.
gnomAD v4.1: 90 of 1,571,496 alleles (0.0057%); highest among the groups gnomAD compares: South Asian, 0.02%; no homozygotes.

Submissions (2):

Ambry Genetics
Classification: Uncertain significance for Inborn genetic diseases. Last evaluated: 2025-08-27. Review status: criteria provided, single submitter. Criteria: Ambry Variant Classification Scheme 2023. Collection method: clinical testing. Allele origin: germline.

Labcorp Genetics (formerly Invitae), Labcorp
Classification: Uncertain significance. Last evaluated: 2024-07-15. Review status: criteria provided, single submitter. Criteria: Invitae Variant Classification Sherloc (09022015). Collection method: clinical testing. Allele origin: germline.
Comment: This sequence change replaces glutamic acid, which is acidic and polar, with lysine, which is basic and polar, at codon 747 of the TONSL protein (p.Glu747Lys). This variant is present in population databases (rs369234807, gnomAD 0.03%). This variant has not been reported in the literature in individuals affected with TONSL-related conditions. ClinVar contains an entry for this variant (Variation ID: 1399969). Advanced modeling of protein sequence and biophysical properties (such as structural, functional, and spatial information, amino acid conservation, physicochemical variation, residue mobility, and thermodynamic stability) performed at Invitae indicates that this missense variant is expected to disrupt TONSL protein function with a positive predictive value of 80%. In summary, the available evidence is currently insufficient to determine the role of this variant in disease. Therefore, it has been classified as a Variant of Uncertain Significance.